The following is an entry in ClinVar:

NM_004444.5(EPHB4):c.1960_1964del (p.Thr654fs)

Gene: EPHB4 (EPH receptor B4; minus strand). Cytogenetic location: 7q22.1.
Variant type: Deletion.
Coding change: c.1960_1964del on transcript NM_004444.5 (MANE Select); coding-DNA positions 1960 to 1964, 5 bases deleted (ACGGA; older notation c.1960_1964delACGGA).
Protein change: p.Thr654fs; shifts the reading frame from threonine 654.
Molecular consequence: frameshift variant.
Genome position (GRCh38, 1-based): chr7:100,812,901-100,812,905, TCCGT deleted on the plus strand (ACGGA on the coding strand, the reverse complement: EPHB4 is on the minus strand). VCF-style (leftmost placement, unchanged base first): chr7-100812900-CTCCGT-C. GRCh37 (hg19) VCF-style: chr7-100410522-CTCCGT-C.
Other names: short protein forms T654fs.
Identifiers: ClinVar variation 1452020 (VCV001452020.6), dbSNP rs2116431816, ClinGen allele CA2573141455.

ClinVar aggregate classification (germline): Pathogenic (1 of 4 stars; one submission).

Submission:

Labcorp Genetics (formerly Invitae), Labcorp
Classification: Pathogenic. Last evaluated: 2021-04-08. Review status: criteria provided, single submitter. Criteria: Invitae Variant Classification Sherloc (09022015). Collection method: clinical testing. Allele origin: germline.
Comment: For these reasons, this variant has been classified as Pathogenic. This variant has not been reported in the literature in individuals with EPHB4-related conditions. This variant is not present in population databases (ExAC no frequency). This sequence change creates a premature translational stop signal (p.Thr654Alafs*5) in the EPHB4 gene. It is expected to result in an absent or disrupted protein product. Loss-of-function variants in EPHB4 are known to be pathogenic (PMID: 28687708).

Literature cited by the submitters: PubMed 28687708.